The following is an entry in ClinVar:

ClinVar aggregate classification (germline): Conflicting classifications of pathogenicity. Review status: criteria provided, conflicting classifications (1 of 4 stars). 3 submissions from 2 submitters: Uncertain significance (1); Benign (1). 1 of the submissions does not count toward it. Last evaluated 2017-04-27.

Conditions:
REN-related disorder. Also called: REN-related condition.
Renal tubular dysgenesis. Also called: Renotubular dysgenesis. Identifiers: Orphanet 3033, MedGen C0266313, MONDO:0017609, HP:0008660.
Familial juvenile hyperuricemic nephropathy type 2 (ADTKD4). Also called: Autosomal Dominant Tubulointerstitial Kidney Disease – REN; EARLY-ONSET HYPERURICEMIA, ANEMIA, AND PROGRESSIVE KIDNEY FAILURE. Identifiers: Orphanet 217330, MedGen C2751310, MONDO:0013128, OMIM 613092.

Allele frequency attached by ClinVar (database versions not stated): gnomAD exomes 0.00004 and 0.00008; ExAC 0.00007; gnomAD 0.00007 and 0.00009; TOPMed 0.00008; ESP Exome Variant Server 0.00015.
gnomAD v4.1: 76 of 1,612,774 alleles (0.0047%); highest among the groups gnomAD compares: Admixed American, 0.0083%; no homozygotes.

Submissions (3):

Illumina Laboratory Services, Illumina
Classification: Uncertain significance for Renal tubular dysgenesis of genetic origin. Last evaluated: 2017-04-27. Review status: criteria provided, single submitter. Criteria: ICSL Variant Classification Criteria 13 December 2019. Collection method: clinical testing. Allele origin: germline.

Illumina Laboratory Services, Illumina
Classification: Benign for Familial juvenile hyperuricemic nephropathy type 2. Last evaluated: 2017-04-27. Review status: criteria provided, single submitter. Criteria: ICSL Variant Classification Criteria 13 December 2019. Collection method: clinical testing. Allele origin: germline.
Comment: This variant was observed as part of a predisposition screen in an ostensibly healthy population. A literature search was performed for the gene, cDNA change, and amino acid change (where applicable). No publications were found based on this search. Allele frequency data from public databases was too high to be consistent with this variant causing disease. Therefore, this variant is classified as benign.

PreventionGenetics, part of Exact Sciences
Classification: Likely benign for REN-related condition. Last evaluated: 2020-03-05. Review status: no assertion criteria provided. Collection method: clinical testing. Allele origin: germline. Not counted in ClinVar's aggregate classification.
Comment: This variant is classified as likely benign based on ACMG/AMP sequence variant interpretation guidelines (Richards et al. 2015 PMID: 25741868, with internal and published modifications).

NM_000537.4(REN):c.45G>A (p.Leu15=)

Genes: REN (renin; minus strand), LOC107548112 (REN promoter and enhancer region; plus strand). Cytogenetic location: 1q32.1.
Variant type: single nucleotide variant.
Coding change: c.45G>A on transcript NM_000537.4 (MANE Select); coding-DNA position 45, G replaced by A.
Protein change: p.Leu15=; no amino-acid change (leucine 15 retained).
Molecular consequence: synonymous variant.
Genome position (GRCh38, 1-based): chr1:204,166,249, C>T on the plus strand (G>A on the coding strand, the complement: REN is on the minus strand). VCF-style: chr1-204166249-C-T. GRCh37 (hg19) VCF-style: chr1-204135377-C-T.
Identifiers: ClinVar variation 874781 (VCV000874781.6), dbSNP rs142739309, ClinGen allele CA1345084.